The following is an entry in ClinVar:

NM_004984.4(KIF5A):c.1444G>C (p.Asp482His)

Gene: KIF5A (kinesin family member 5A; plus strand). Cytogenetic location: 12q13.3.
Variant type: single nucleotide variant.
Coding change: c.1444G>C on transcript NM_004984.4 (MANE Select); coding-DNA position 1444, G replaced by C.
Protein change: p.Asp482His; replaces aspartic acid 482 with histidine.
Molecular consequence: missense variant.
Genome position (GRCh38, 1-based): chr12:57,572,142, G>C. VCF-style: chr12-57572142-G-C. GRCh37 (hg19) VCF-style: chr12-57965925-G-C.
Other names: c.1177G>C, p.Asp393His (NM_001354705.2); short protein forms D393H, D482H.
Identifiers: ClinVar variation 3777447 (VCV003777447.1).
Genomic context (GRCh38, chr12:57,572,142, plus strand): 5'-GACAACGAGAAGGTCCAGCGGGAGCTGAGCCACCTGCAATCAGAGAACGATGCCGCTAAG[G>C]ATGAGGTGAAGGAAGTGCTGCAGGCCCTGGAGGAGCTGGCTGTGAACTATGACCAGAAGT-3'
Protein context (NP_004975.2, residues 472-492): HLQSENDAAK[Asp482His]EVKEVLQALE

ClinVar aggregate classification (germline): Uncertain significance (1 of 4 stars; one submission).

Submission:

GeneDx
Classification: Uncertain significance. Last evaluated: 2024-10-10. Review status: criteria provided, single submitter. Criteria: GeneDx Variant Classification Process June 2021. Collection method: clinical testing. Allele origin: germline. Affected: yes.
Comment: Not observed at significant frequency in large population cohorts (gnomAD); In silico analysis supports that this missense variant has a deleterious effect on protein structure/function; Has not been previously published as pathogenic or benign to our knowledge